The following is an entry in ClinVar:

ClinVar aggregate classification (germline): Conflicting classifications of pathogenicity. Review status: criteria provided, conflicting classifications (1 of 4 stars). 4 submissions from 4 submitters: Uncertain significance (1); Benign (1); Likely benign (2). Last evaluated 2025-11-13.

Conditions:
Hereditary cancer-predisposing syndrome. Also called: Tumor predisposition; Hereditary Cancer Syndrome; Neoplastic Syndromes, Hereditary; Hereditary neoplastic syndrome. Identifiers: Orphanet 140162, MedGen C0027672, MeSH D009386, MONDO:0015356.
Von Hippel-Lindau syndrome (VHLS). Also called: von Hippel–Lindau syndrome; Von Hippel-Lindau; VHL syndrome. Identifiers: Orphanet 892, MedGen C0019562, MONDO:0008667, OMIM 193300. Disease mechanism: loss of function.
Chuvash polycythemia. Also called: POLYCYTHEMIA, VHL-DEPENDENT. Identifiers: Orphanet 238557, MedGen C1837915, MONDO:0009892, OMIM 263400.

Submissions (4):

GeneDx
Classification: Uncertain significance. Last evaluated: 2025-11-13. Review status: criteria provided, single submitter. Criteria: GeneDx Variant Classification Process June 2021. Collection method: clinical testing. Allele origin: germline. Affected: yes.
Comment: Not observed at significant frequency in large population cohorts (gnomAD); In silico analysis supports that this variant does not alter splicing; Has not been previously published as pathogenic or benign to our knowledge

Labcorp Genetics (formerly Invitae), Labcorp
Classification: Likely benign for Von Hippel-Lindau syndrome; Chuvash polycythemia. Last evaluated: 2025-09-04. Review status: criteria provided, single submitter. Criteria: Invitae Variant Classification Sherloc (09022015). Collection method: clinical testing. Allele origin: germline.

Myriad Genetics, Inc.
Classification: Benign for Von Hippel-Lindau syndrome. Last evaluated: 2025-06-10. Review status: criteria provided, single submitter. Criteria: Myriad Autosomal Dominant, Autosomal Recessive and X-Linked Classification Criteria (2023). Collection method: clinical testing. Allele origin: unknown.
Comment: This variant is considered benign. This variant is a silent/synonymous amino acid change and it is not expected to impact splicing.

Ambry Genetics
Classification: Likely benign for Hereditary cancer-predisposing syndrome. Last evaluated: 2020-03-31. Review status: criteria provided, single submitter. Criteria: Ambry Variant Classification Scheme 2023. Collection method: clinical testing. Allele origin: germline.

NM_000551.4(VHL):c.6C>T (p.Pro2=)

Gene: VHL (von Hippel-Lindau tumor suppressor; plus strand). Cytogenetic location: 3p25.3.
Variant type: single nucleotide variant.
Coding change: c.6C>T on transcript NM_000551.4 (MANE Select); coding-DNA position 6, C replaced by T.
Protein change: p.Pro2=; no amino-acid change (proline 2 retained).
Molecular consequence: synonymous variant.
Genome position (GRCh38, 1-based): chr3:10,141,853, C>T. VCF-style: chr3-10141853-C-T. GRCh37 (hg19) VCF-style: chr3-10183537-C-T.
Other names: c.6C>T, p.Pro2= (NM_001354723.2, NM_198156.3).
Identifiers: ClinVar variation 759757 (VCV000759757.14), dbSNP rs1014417508, ClinGen allele CA70042136.
Genomic context (GRCh38, chr3:10,141,853, plus strand): 5'-GTCCGACCCGCGGATCCCGCGGCGTCCGGCCCGGGTGGTCTGGATCGCGGAGGGAATGCC[C>T]CGGAGGGCGGAGAACTGGGACGAGGCCGAGGTAGGCGCGGAGGAGGCAGGCGTCGAAGAG-3'
Protein context (NP_000542.1, residues 1-12): M[Pro2=]RRAENWDEAE